The following is an entry in ClinVar:

ClinVar aggregate classification (germline): Uncertain significance. Review status: criteria provided, multiple submitters, no conflicts (2 of 4 stars). 2 submissions from 2 submitters: Uncertain significance (2). Last evaluated 2024-08-11.

Conditions:
Inborn genetic diseases. Identifiers: MedGen C0950123, MeSH D030342.

Allele frequency attached by ClinVar (database versions not stated): gnomAD exomes 0.00001; ExAC 0.00007; TOPMed 0.00009; gnomAD 0.00010; ESP Exome Variant Server 0.00023.

Submissions (2):

Ambry Genetics
Classification: Uncertain significance for Inborn genetic diseases. Last evaluated: 2024-08-11. Review status: criteria provided, single submitter. Criteria: Ambry Variant Classification Scheme 2023. Collection method: clinical testing. Allele origin: germline.

Labcorp Genetics (formerly Invitae), Labcorp
Classification: Uncertain significance. Last evaluated: 2022-05-18. Review status: criteria provided, single submitter. Criteria: Invitae Variant Classification Sherloc (09022015). Collection method: clinical testing. Allele origin: germline.
Comment: This sequence change replaces lysine, which is basic and polar, with arginine, which is basic and polar, at codon 160 of the DBR1 protein (p.Lys160Arg). This variant is present in population databases (rs139110048, gnomAD 0.05%). This variant has not been reported in the literature in individuals affected with DBR1-related conditions. Algorithms developed to predict the effect of missense changes on protein structure and function (SIFT, PolyPhen-2, Align-GVGD) all suggest that this variant is likely to be tolerated. In summary, the available evidence is currently insufficient to determine the role of this variant in disease. Therefore, it has been classified as a Variant of Uncertain Significance.

NM_016216.4(DBR1):c.479A>G (p.Lys160Arg)

Gene: DBR1 (debranching RNA lariats 1; minus strand). Cytogenetic location: 3q22.3.
Variant type: single nucleotide variant.
Coding change: c.479A>G on transcript NM_016216.4 (MANE Select); coding-DNA position 479, A replaced by G.
Protein change: p.Lys160Arg; replaces lysine 160 with arginine.
Molecular consequence: missense variant.
Genome position (GRCh38, 1-based): chr3:138,170,117, T>C on the plus strand (A>G on the coding strand, the complement: DBR1 is on the minus strand). VCF-style: chr3-138170117-T-C. GRCh37 (hg19) VCF-style: chr3-137888959-T-C.
Other names: c.479A>G (NM_016216.3); short protein forms K160R.
Identifiers: ClinVar variation 2076911 (VCV002076911.2), dbSNP rs139110048, ClinGen allele CA2635864.